The following is an entry in ClinVar:

NM_007294.4(BRCA1):c.4675+2T>G

Gene: BRCA1 (BRCA1 DNA repair associated; minus strand). Cytogenetic location: 17q21.31.
Variant type: single nucleotide variant.
Coding change: c.4675+2T>G on transcript NM_007294.4 (MANE Select); the canonical splice donor site of the intron after coding-DNA position 4675, T replaced by G.
Molecular consequence: splice donor variant. On other transcripts: intron variant (3).
Genome position (GRCh38, 1-based): chr17:43,074,329, A>C on the plus strand (T>G on the coding strand, the complement: BRCA1 is on the minus strand). VCF-style: chr17-43074329-A-C. GRCh37 (hg19) VCF-style: chr17-41226346-A-C.
Other names: c.4465+2T>G (NM_001407882.1, NM_001407884.1, NM_001407879.1 and 5 more transcripts); c.1237+2T>G (NM_001408447.1, NM_001408445.1, NM_001408450.1 and 2 more transcripts); c.1240+2T>G (NM_001408433.1, NM_001408441.1, NM_001408437.1 and 10 more transcripts); c.4543+2T>G (NM_001407690.1, NM_001407691.1); c.4546+2T>G (NM_001407687.1, NM_001407941.1, NM_001407683.1 and 6 more transcripts); c.4549+2T>G (NM_001407673.1, NM_001407674.1, NM_001407939.1 and 11 more transcripts); c.1360+2T>G (NM_001408400.1, NM_001408392.1, NM_001408402.1 and 8 more transcripts); c.1363+2T>G (NM_001407986.1, NM_001407979.1, NM_001407984.1 and 12 more transcripts); and 71 more.
Identifiers: ClinVar variation 252396 (VCV000252396.21), dbSNP rs879255293, ClinGen allele CA10585910.

ClinVar aggregate classification (germline): Pathogenic/Likely pathogenic. Review status: criteria provided, multiple submitters, no conflicts (2 of 4 stars). 4 submissions from 4 submitters: Pathogenic (2); Likely pathogenic (2). Last evaluated 2025-11-13.

Conditions:
Hereditary cancer-predisposing syndrome. Also called: Hereditary Cancer Syndrome; Neoplastic Syndromes, Hereditary; Hereditary neoplastic syndrome; Tumor predisposition. Identifiers: Orphanet 140162, MedGen C0027672, MeSH D009386, MONDO:0015356.
Hereditary breast ovarian cancer syndrome. Also called: Hereditary breast and ovarian cancer syndrome (HBOC); Breast and ovarian cancer; Hereditary breast and ovarian cancer syndrome; Hereditary breast and ovarian cancer; BRCA1- and BRCA2-Associated Hereditary Breast and Ovarian Cancer; Hereditary breast and/or ovarian cancer syndrome. Identifiers: Orphanet 145, MedGen C0677776, MeSH D061325, MONDO:0003582. Disease mechanism: loss of function.
Breast-ovarian cancer, familial, susceptibility to, 1 (BROVCA1). Also called: BRCA1 Hereditary Breast and Ovarian Cancer; OVARIAN CANCER, SUSCEPTIBILITY TO. Identifiers: Orphanet 145, MedGen C2676676, MONDO:0011450, OMIM 604370. Disease mechanism: loss of function.

Submissions (4):

Ambry Genetics
Classification: Likely pathogenic for Hereditary cancer-predisposing syndrome. Last evaluated: 2025-11-13. Review status: criteria provided, single submitter. Criteria: Ambry Variant Classification Scheme 2023. Collection method: clinical testing. Allele origin: germline.
Comment: The c.4675+2T>G intronic variant results from a T to G substitution two nucleotides after coding exon 13 in the BRCA1 gene. This variant is considered to be rare based on population cohorts in the Genome Aggregation Database (gnomAD). This nucleotide position is highly conserved in available vertebrate species. In silico splice site analysis predicts that this alteration will weaken the native splice donor site and will result in the creation or strengthening of a novel splice donor site. Alterations that disrupt the canonical splice site are expected to cause aberrant splicing, resulting in an abnormal protein or a transcript that is subject to nonsense-mediated mRNA decay. As such, this alteration is classified as likely pathogenic.

GeneDx
Classification: Pathogenic. Last evaluated: 2023-03-07. Review status: criteria provided, single submitter. Criteria: GeneDx Variant Classification Process June 2021. Collection method: clinical testing. Allele origin: germline. Affected: yes.
Comment: Canonical splice site variant predicted to result in a null allele in a gene for which loss of function is a known mechanism of disease; Not observed at significant frequency in large population cohorts (gnomAD); Has not been previously published as pathogenic or benign to our knowledge; Also known as 4794+2T>G; This variant is associated with the following publications: (PMID: 23767878, 21324516, 21394826, 24884479, 12491499, 16199547, 18489799, 20104584, 26295337, 30464253)

Labcorp Genetics (formerly Invitae), Labcorp
Classification: Pathogenic for Hereditary breast ovarian cancer syndrome. Last evaluated: 2020-01-20. Review status: criteria provided, single submitter. Criteria: Invitae Variant Classification Sherloc (09022015). Collection method: clinical testing. Allele origin: germline.
Comment: This sequence change affects a donor splice site in intron 14 of the BRCA1 gene. It is expected to disrupt RNA splicing and likely results in an absent or disrupted protein product. This variant is not present in population databases (ExAC no frequency). Disruption of this splice site has been observed in individuals with breast and/or ovarian cancer (PMID: 12491499, 21324516, 23767878, 24884479, Invitae). ClinVar contains an entry for this variant (Variation ID: 252396). Experimental studies have shown that a different variant at this donor site disrupts mRNA splicing (PMID: 21394826, 18489799). Donor and acceptor splice site variants typically lead to a loss of protein function (PMID: 16199547), and loss-of-function variants in BRCA1 are known to be pathogenic (PMID: 20104584). For these reasons, this variant has been classified as Pathogenic.

Quest Diagnostics Nichols Institute San Juan Capistrano
Classification: Likely pathogenic for Breast-ovarian cancer, familial, susceptibility to, 1. Last evaluated: 2016-05-18. Review status: criteria provided, single submitter. Criteria: Quest Diagnostics criteria. Collection method: clinical testing. Allele origin: germline. Inheritance: Autosomal dominant inheritance.

Literature cited by the submitters: PubMed 12491499 (cited by Labcorp Genetics (formerly Invitae), Labcorp); PubMed 21324516 (cited by Labcorp Genetics (formerly Invitae), Labcorp); PubMed 23767878 (cited by Labcorp Genetics (formerly Invitae), Labcorp); PubMed 24884479 (cited by Labcorp Genetics (formerly Invitae), Labcorp); PubMed 21394826 (cited by Labcorp Genetics (formerly Invitae), Labcorp); PubMed 18489799 (cited by Labcorp Genetics (formerly Invitae), Labcorp); PubMed 16199547 (cited by Labcorp Genetics (formerly Invitae), Labcorp); PubMed 20104584 (cited by Labcorp Genetics (formerly Invitae), Labcorp); PubMed 26295337 (cited by Quest Diagnostics Nichols Institute San Juan Capistrano).